The following is an entry in ClinVar:

ClinVar aggregate classification (germline): Conflicting classifications of pathogenicity. Review status: criteria provided, conflicting classifications (1 of 4 stars). 2 submissions from 1 submitter: Uncertain significance (1); Likely benign (1). Last evaluated 2018-01-12.

Conditions:
Meckel syndrome, type 2 (MKS2). Also called: MKS2-Related Meckel Syndrome; MECKEL-GRUBER SYNDROME, TYPE 2. Identifiers: Orphanet 564, MedGen C1864148, MONDO:0011296, OMIM 603194.
Joubert syndrome 2 (JBTS2). Also called: CEREBELLOOCULORENAL SYNDROME 2. Identifiers: Orphanet 2318, MedGen C1842577, MONDO:0011963, OMIM 608091.

Allele frequency attached by ClinVar (database versions not stated): TOPMed 0.00020; 1000 Genomes Project 0.00300; 1000 Genomes Project 30x 0.00265; gnomAD 0.00009.

Submissions (2):

Illumina Laboratory Services, Illumina
Classification: Uncertain significance for Meckel syndrome, type 2. Last evaluated: 2018-01-12. Review status: criteria provided, single submitter. Criteria: ICSL Variant Classification Criteria 13 December 2019. Collection method: clinical testing. Allele origin: germline.

Illumina Laboratory Services, Illumina
Classification: Likely benign for Joubert syndrome 2. Last evaluated: 2018-01-12. Review status: criteria provided, single submitter. Criteria: ICSL Variant Classification Criteria 13 December 2019. Collection method: clinical testing. Allele origin: germline.
Comment: This variant was observed in the ICSL laboratory as part of a predisposition screen in an ostensibly healthy population. It had not been previously curated by ICSL or reported in the Human Gene Mutation Database (HGMD: prior to June 1st, 2018), and was therefore a candidate for classification through an automated scoring system. Utilizing variant allele frequency, disease prevalence and penetrance estimates, and inheritance mode, an automated score was calculated to assess if this variant is too frequent to cause the disease. Based on the score and internal cut-off values, a variant classified as likely benign is not then subjected to further curation. The score for this variant resulted in a classification of likely benign for this disease.

NM_001173990.2(TMEM216):c.-91G>A

Gene: TMEM216 (transmembrane protein 216; plus strand). Cytogenetic location: 11q12.2.
Variant type: single nucleotide variant.
Coding change: c.-91G>A on transcript NM_001173990.2; 91 bases upstream of the start codon, G replaced by A.
Genome position (GRCh38, 1-based): chr11:61,392,541, G>A. VCF-style: chr11-61392541-G-A. GRCh37 (hg19) VCF-style: chr11-61160013-G-A.
Identifiers: ClinVar variation 305075 (VCV000305075.7), dbSNP rs557559653, ClinGen allele CA10635101.